The following is an entry in ClinVar:

ClinVar aggregate classification (germline): Likely pathogenic (1 of 4 stars; one submission).

Conditions:
Mucopolysaccharidosis, MPS-II (MPS2). Also called: Hunter Syndrome; IDURONATE 2-SULFATASE DEFICIENCY; Mucopolysaccharidosis Type II; Mucopolysaccharidosis type 2; Attenuated MPS (subtype; formerly known as mild MPS II); Severe MPS II. Identifiers: Orphanet 580, Orphanet 79388, MedGen C0026705, MONDO:0010674, OMIM 309900.

Submission:

Laboratory of Diagnosis and Therapy of Lysosomal Disorders, University of Padova
Classification: Likely pathogenic for Mucopolysaccharidosis, MPS-II. Last evaluated: 2024-06-07. Review status: criteria provided, single submitter. Criteria: ACMG Guidelines, 2015. Collection method: literature only. Allele origin: germline. Affected: yes. Observed: 1 variant allele.
Comment: Absent from controls (or at low frequency) in gnomAD database (PM2_Moderate), Missense variant in a gene with a low rate of benign missense variation (PP2_Supporting), Multiple lines of computational evidence support a deleterious effect (PP3_Supporting), Patient’s phenotype or family history highly specific for the disease (PP4_Moderate)

Classification method: ACMG Guidelines [PMID:25741868] with modifications

Literature cited by the submitters: PubMed 24125893.

NM_000202.8(IDS):c.941T>A (p.Leu314His)

Genes: IDS (iduronate 2-sulfatase; minus strand), LOC106050102 (IDS recombination region; plus strand). Cytogenetic location: Xq28.
Variant type: single nucleotide variant.
Coding change: c.941T>A on transcript NM_000202.8 (MANE Select); coding-DNA position 941, T replaced by A.
Protein change: p.Leu314His; replaces leucine 314 with histidine.
Molecular consequence: missense variant. On other transcripts: non-coding transcript variant (1).
Genome position (GRCh38, 1-based): chrX:149,490,379, A>T on the plus strand (T>A on the coding strand, the complement: IDS is on the minus strand). VCF-style: chrX-149490379-A-T. GRCh37 (hg19) VCF-style: chrX-148571910-A-T.
Other names: c.671T>A, p.Leu224His (NM_001166550.4); c.941T>A, p.Leu314His (NM_006123.5); short protein forms L224H, L314H.
Identifiers: ClinVar variation 3255890 (VCV003255890.2).